The following is an entry in ClinVar:

NM_002470.4(MYH3):c.642+8T>C

Gene: MYH3 (myosin heavy chain 3; minus strand). Cytogenetic location: 17p13.1.
Variant type: single nucleotide variant.
Coding change: c.642+8T>C on transcript NM_002470.4 (MANE Select); 8 bases into the intron after coding-DNA position 642, T replaced by C.
Molecular consequence: intron variant.
Genome position (GRCh38, 1-based): chr17:10,649,569, A>G on the plus strand (T>C on the coding strand, the complement: MYH3 is on the minus strand). VCF-style: chr17-10649569-A-G. GRCh37 (hg19) VCF-style: chr17-10552886-A-G.
Identifiers: ClinVar variation 705049 (VCV000705049.14), dbSNP rs370685666, ClinGen allele CA8393207.

ClinVar aggregate classification (germline): Conflicting classifications of pathogenicity. Review status: criteria provided, conflicting classifications (1 of 4 stars). 5 submissions from 4 submitters: Uncertain significance (1); Benign (1); Likely benign (3). Last evaluated 2026-01-15.

Conditions:
Freeman-Sheldon syndrome (DA2A). Also called: CRANIOCARPOTARSAL DYSPLASIA; CRANIOCARPOTARSAL DYSTROPHY; WHISTLING FACE-WINDMILL VANE HAND SYNDROME; Arthrogryposis, distal, type 2A (Freeman-Sheldon). Identifiers: Orphanet 2053, MedGen C0265224, MONDO:0008675, OMIM 193700.
Distal arthrogryposis type 2B1 (DA2B1). Also called: Arthrogryposis multiplex congenita distal type II with craniofacial abnormalities. Identifiers: Orphanet 1147, MedGen C5193014, MONDO:0020820, OMIM 601680.

Allele frequency attached by ClinVar (database versions not stated): ESP Exome Variant Server 0.00008; ExAC 0.00011; TOPMed 0.00012; gnomAD exomes 0.00014; 1000 Genomes Project 30x 0.00016; gnomAD 0.00016 and 0.00018; 1000 Genomes Project 0.00020.
gnomAD v4.1: 265 of 1,587,828 alleles (0.017%); highest among the groups gnomAD compares: Non-Finnish European, 0.02%; 1 homozygote.

Submissions (5):

Labcorp Genetics (formerly Invitae), Labcorp
Classification: Likely benign. Last evaluated: 2026-01-15. Review status: criteria provided, single submitter. Criteria: Invitae Variant Classification Sherloc (09022015). Collection method: clinical testing. Allele origin: germline.

Laboratory of Genetics, Children's Clinical University Hospital Latvia
Classification: Likely benign. Last evaluated: 2025-02-16. Review status: criteria provided, single submitter. Criteria: ACMG Guidelines, 2015. Collection method: clinical testing. Allele origin: germline. Affected: yes.

Blueprint Genetics
Classification: Likely benign. Last evaluated: 2024-06-27. Review status: criteria provided, single submitter. Criteria: ACMG Guidelines, 2015. Collection method: clinical testing. Allele origin: germline.

Illumina Laboratory Services, Illumina
Classification: Benign for Freeman-Sheldon syndrome. Last evaluated: 2018-01-13. Review status: criteria provided, single submitter. Criteria: ICSL Variant Classification Criteria 13 December 2019. Collection method: clinical testing. Allele origin: germline.
Comment: This variant was observed in the ICSL laboratory as part of a predisposition screen in an ostensibly healthy population. It had not been previously curated by ICSL or reported in the Human Gene Mutation Database (HGMD: prior to June 1st, 2018), and was therefore a candidate for classification through an automated scoring system. Utilizing variant allele frequency, disease prevalence and penetrance estimates, and inheritance mode, an automated score was calculated to assess if this variant is too frequent to cause the disease. Based on the score and internal cut-off values, a variant classified as benign is not then subjected to further curation. The score for this variant resulted in a classification of benign for this disease.

Illumina Laboratory Services, Illumina
Classification: Uncertain significance for Distal arthrogryposis type 2B1. Last evaluated: 2018-01-13. Review status: criteria provided, single submitter. Criteria: ICSL Variant Classification Criteria 13 December 2019. Collection method: clinical testing. Allele origin: germline.